The following is an entry in ClinVar:

ClinVar aggregate classification (germline): Uncertain significance (1 of 4 stars; one submission).

Allele frequency attached by ClinVar (database versions not stated): gnomAD exomes below 0.00001.
gnomAD v4.1: 6 of 1,605,832 alleles (0.00037%); highest among the groups gnomAD compares: Non-Finnish European, 0.00043%; no homozygotes.

Submission:

Labcorp Genetics (formerly Invitae), Labcorp
Classification: Uncertain significance. Last evaluated: 2022-06-28. Review status: criteria provided, single submitter. Criteria: Invitae Variant Classification Sherloc (09022015). Collection method: clinical testing. Allele origin: germline.
Comment: In summary, the available evidence is currently insufficient to determine the role of this variant in disease. Therefore, it has been classified as a Variant of Uncertain Significance. Variants that disrupt the consensus splice site are a relatively common cause of aberrant splicing (PMID: 17576681, 9536098). Algorithms developed to predict the effect of sequence changes on RNA splicing suggest that this variant may disrupt the consensus splice site. This variant has not been reported in the literature in individuals affected with TELO2-related conditions. This variant is not present in population databases (gnomAD no frequency). This sequence change falls in intron 10 of the TELO2 gene. It does not directly change the encoded amino acid sequence of the TELO2 protein. It affects a nucleotide within the consensus splice site.

Literature cited by the submitters: PubMed 17576681; PubMed 9536098.

NM_016111.4(TELO2):c.1361+5G>A

Gene: TELO2 (telomere maintenance 2; plus strand). Cytogenetic location: 16p13.3.
Variant type: single nucleotide variant.
Coding change: c.1361+5G>A on transcript NM_016111.4 (MANE Select); 5 bases into the intron after coding-DNA position 1361, G replaced by A.
Molecular consequence: intron variant.
Genome position (GRCh38, 1-based): chr16:1,501,504, G>A. VCF-style: chr16-1501504-G-A. GRCh37 (hg19) VCF-style: chr16-1551505-G-A.
Other names: c.1361+5G>A (NM_001351846.2).
Identifiers: ClinVar variation 1906292 (VCV001906292.5), dbSNP rs2505954955, ClinGen allele CA2575869241.